The following is an entry in ClinVar:

NM_014244.5(ADAMTS2):c.722G>A (p.Arg241His)

Gene: ADAMTS2 (ADAM metallopeptidase with thrombospondin type 1 motif 2; minus strand). Cytogenetic location: 5q35.3.
Variant type: single nucleotide variant.
Coding change: c.722G>A on transcript NM_014244.5 (MANE Select); coding-DNA position 722, G replaced by A.
Protein change: p.Arg241His; replaces arginine 241 with histidine.
Molecular consequence: missense variant.
Genome position (GRCh38, 1-based): chr5:179,207,682, C>T on the plus strand (G>A on the coding strand, the complement: ADAMTS2 is on the minus strand). VCF-style: chr5-179207682-C-T. GRCh37 (hg19) VCF-style: chr5-178634683-C-T.
Other names: c.722G>A, p.Arg241His (NM_021599.4); short protein forms R241H.
Identifiers: ClinVar variation 353136 (VCV000353136.22), dbSNP rs11750821, ClinGen allele CA3596191.

ClinVar aggregate classification (germline): Benign. Review status: criteria provided, multiple submitters, no conflicts (2 of 4 stars). 10 submissions from 10 submitters: Benign (7). 3 of the submissions do not count toward it. Last evaluated 2026-02-04.

Conditions:
Ehlers-Danlos syndrome, dermatosparaxis type. Also called: Ehlers-Danlos syndrome, type VII, autosomal recessive; EDS VIIC; Dermatosparaxis. Identifiers: Orphanet 1901, MedGen C2700425, MONDO:0009161, OMIM 225410.

Allele frequency attached by ClinVar (database versions not stated): 1000 Genomes Project 30x 0.06839; TOPMed 0.07035; ESP Exome Variant Server 0.07089; 1000 Genomes Project 0.07188.

Submissions (10):

Labcorp Genetics (formerly Invitae), Labcorp
Classification: Benign for Ehlers-Danlos syndrome, dermatosparaxis type. Last evaluated: 2026-02-04. Review status: criteria provided, single submitter. Criteria: Invitae Variant Classification Sherloc (09022015). Collection method: clinical testing. Allele origin: germline.

Blueprint Genetics
Classification: Benign. Last evaluated: 2024-11-26. Review status: criteria provided, single submitter. Criteria: ACMG Guidelines, 2015. Collection method: clinical testing. Allele origin: germline.

Genome-Nilou Lab
Classification: Benign for Ehlers-Danlos syndrome, dermatosparaxis type. Last evaluated: 2021-07-10. Review status: criteria provided, single submitter. Criteria: ACMG Guidelines, 2015. Collection method: clinical testing. Allele origin: germline. Affected: no.

Mayo Clinic Laboratories, Mayo Clinic
Classification: Benign. Last evaluated: 2019-04-10. Review status: criteria provided, single submitter. Criteria: ACMG Guidelines, 2015. Collection method: clinical testing. Allele origin: germline. Observed: 839 variant alleles.

Women's Health and Genetics/Laboratory Corporation of America, LabCorp
Classification: Benign. Last evaluated: 2018-04-30. Review status: criteria provided, single submitter. Criteria: LabCorp Variant Classification Summary - May 2015. Collection method: clinical testing. Allele origin: germline.
Comment: Variant summary: ADAMTS2 c.722G>A (p.Arg241His) results in a non-conservative amino acid change in the encoded protein sequence. Four of five in-silico tools predict a benign effect of the variant on protein function. The variant allele was found at a frequency of 0.087 in 276330 control chromosomes in the gnomAD database, including 1197 homozygotes. The observed variant frequency is approximately 30-fold higher than the estimated maximal expected allele frequency for a pathogenic variant in ADAMTS2 causing Ehlers-Danlos Syndrome, Type VIIC (Dermatosparaxis) phenotype (0.0029), strongly suggesting that the variant is benign. To our knowledge, no occurrence of c.722G>A in individuals affected with Ehlers-Danlos Syndrome, Type VIIC (Dermatosparaxis) and no experimental evidence demonstrating its impact on protein function have been reported. Multiple ClinVar submissions from clinical diagnostic laboratories (evaulation after 2014) cite the variant as "likely benign/benign." Based on the evidence outlined above, the variant was classified as benign.

Illumina Laboratory Services, Illumina
Classification: Benign for Ehlers-Danlos syndrome, dermatosparaxis type. Last evaluated: 2018-01-13. Review status: criteria provided, single submitter. Criteria: ICSL Variant Classification Criteria 13 December 2019. Collection method: clinical testing. Allele origin: germline.
Comment: This variant was observed in the ICSL laboratory as part of a predisposition screen in an ostensibly healthy population. It had not been previously curated by ICSL or reported in the Human Gene Mutation Database (HGMD: prior to June 1st, 2018), and was therefore a candidate for classification through an automated scoring system. Utilizing variant allele frequency, disease prevalence and penetrance estimates, and inheritance mode, an automated score was calculated to assess if this variant is too frequent to cause the disease. Based on the score and internal cut-off values, a variant classified as benign is not then subjected to further curation. The score for this variant resulted in a classification of benign for this disease.

GeneDx
Classification: Benign. Last evaluated: 2016-10-06. Review status: criteria provided, single submitter. Criteria: GeneDx Variant Classification (06012015). Collection method: clinical testing. Allele origin: germline. Affected: yes.
Comment: This variant is considered likely benign or benign based on one or more of the following criteria: it is a conservative change, it occurs at a poorly conserved position in the protein, it is predicted to be benign by multiple in silico algorithms, and/or has population frequency not consistent with disease.

Natera, Inc.
Classification: Benign for Ehlers-Danlos syndrome type VIIC. Last evaluated: 2020-09-16. Review status: no assertion criteria provided. Collection method: clinical testing. Allele origin: germline. Not counted in ClinVar's aggregate classification.

Genome Diagnostics Laboratory, Amsterdam University Medical Center
Classification: Benign for Ehlers-Danlos syndrome, dermatosparaxis type. Last evaluated: 2014-02-04. Review status: no assertion criteria provided. Criteria: ACGS Guidelines, 2013. Collection method: clinical testing. Allele origin: germline. Affected: yes. Study: VKGL Data-share Consensus. Not counted in ClinVar's aggregate classification.

Diagnostic Laboratory, Department of Genetics, University Medical Center Groningen
Classification: Benign for Ehlers-Danlos syndrome, dermatosparaxis type. Review status: no assertion criteria provided. Collection method: clinical testing. Allele origin: germline. Affected: yes. Study: VKGL Data-share Consensus. Not counted in ClinVar's aggregate classification.